The following is an entry in ClinVar:

NM_000277.3(PAH):c.293T>A (p.Leu98Ter)

Gene: PAH (phenylalanine hydroxylase; minus strand). Cytogenetic location: 12q23.2.
Variant type: single nucleotide variant.
Coding change: c.293T>A on transcript NM_000277.3 (MANE Select); coding-DNA position 293, T replaced by A.
Protein change: p.Leu98Ter; replaces leucine 98 with a stop codon.
Molecular consequence: nonsense.
Genome position (GRCh38, 1-based): chr12:102,894,794, A>T on the plus strand (T>A on the coding strand, the complement: PAH is on the minus strand). VCF-style: chr12-102894794-A-T. GRCh37 (hg19) VCF-style: chr12-103288572-A-T.
Other names: c.293T>A, p.Leu98Ter (NM_001354304.2); short protein forms L98*.
Identifiers: ClinVar variation 5011545 (VCV005011545.1).

ClinVar aggregate classification (germline): Pathogenic (1 of 4 stars; one submission).

Conditions:
Phenylketonuria (PKU). Also called: FOLLING DISEASE; OLIGOPHRENIA PHENYLPYRUVICA; Phenylketonurias; Phenylketonuria (PKU). Identifiers: Orphanet 716, MedGen C0031485, MONDO:0009861, OMIM 261600. Disease mechanism: loss of function.

Submission:

Myriad Genetics, Inc.
Classification: Pathogenic for Phenylketonuria. Last evaluated: 2023-09-03. Review status: criteria provided, single submitter. Criteria: Myriad Autosomal Dominant, Autosomal Recessive and X-Linked Classification Criteria (2023). Collection method: clinical testing. Allele origin: unknown.
Comment: NM_000277.1(PAH):c.293T>A(L98*) is expected to be pathogenic in the context of phenylalanine hydroxylase deficiency. This variant is predicted to lead to an abnormal or absent protein product due to the creation of a premature termination codon in PAH, a gene where loss-of-function variants are known to be pathogenic. Please note: this variant was assessed in the context of healthy population screening.